The following is an entry in ClinVar:

NM_000138.5(FBN1):c.835C>G (p.Leu279Val)

Gene: FBN1 (fibrillin 1; minus strand). Cytogenetic location: 15q21.1.
Variant type: single nucleotide variant.
Coding change: c.835C>G on transcript NM_000138.5 (MANE Select); coding-DNA position 835, C replaced by G.
Protein change: p.Leu279Val; replaces leucine 279 with valine.
Molecular consequence: missense variant.
Genome position (GRCh38, 1-based): chr15:48,534,107, G>C on the plus strand (C>G on the coding strand, the complement: FBN1 is on the minus strand). VCF-style: chr15-48534107-G-C. GRCh37 (hg19) VCF-style: chr15-48826304-G-C.
Other names: c.835C>G, p.Leu279Val (NM_001406716.1, NM_001406717.1); short protein forms L279V.
Identifiers: ClinVar variation 2931516 (VCV002931516.6), dbSNP rs1210630009, ClinGen allele CA392352378.
Genomic context (GRCh38, chr15:48,534,107, plus strand): 5'-CACCCCCCAACTGCAAAGCATAAGATTTCTTACCTTCACATTTTTGTGACACTTCATTAA[G>C]TTTGTGTCCAGCAGGGCATTTGCACTCAAAAGACCCAACAGTATTAATGCAATTTCCTCC-3'
Protein context (NP_000129.3, residues 269-289): FECKCPAGHK[Leu279Val]NEVSQKCEDI

ClinVar aggregate classification (germline): Uncertain significance. Review status: criteria provided, multiple submitters, no conflicts (2 of 4 stars). 3 submissions from 3 submitters: Uncertain significance (3). Last evaluated 2026-01-11.

Conditions:
Marfan syndrome (MFS). Also called: MARFAN SYNDROME, TYPE I; Marfan syndrome type 1; Marfan's syndrome; Marfan syndrome, classic; FBN1-Related Marfan Syndrome. Identifiers: Orphanet 284963, Orphanet 558, MedGen C0024796, MONDO:0007947, OMIM 154700.
Familial thoracic aortic aneurysm and aortic dissection (TAAD). Also called: Thoracic aortic aneurysms and dissections. Identifiers: Orphanet 91387, MedGen C4707243, MONDO:0019625.

Allele frequency attached by ClinVar (database versions not stated): TOPMed 0.00001; gnomAD 0.00001; gnomAD exomes 0.00001.
gnomAD v4.1: 15 of 1,613,126 alleles (0.00093%); highest among the groups gnomAD compares: Non-Finnish European, 0.0012%; no homozygotes.

Submissions (3):

Labcorp Genetics (formerly Invitae), Labcorp
Classification: Uncertain significance for Marfan syndrome; Familial thoracic aortic aneurysm and aortic dissection. Last evaluated: 2026-01-11. Review status: criteria provided, single submitter. Criteria: Invitae Variant Classification Sherloc (09022015). Collection method: clinical testing. Allele origin: germline.
Comment: This sequence change replaces leucine, which is neutral and non-polar, with valine, which is neutral and non-polar, at codon 279 of the FBN1 protein (p.Leu279Val). This variant is not present in population databases (gnomAD no frequency). This variant has not been reported in the literature in individuals affected with FBN1-related conditions. ClinVar contains an entry for this variant (Variation ID: 2931516). Invitae Evidence Modeling of protein sequence and biophysical properties (such as structural, functional, and spatial information, amino acid conservation, physicochemical variation, residue mobility, and thermodynamic stability) indicates that this missense variant is not expected to disrupt FBN1 protein function with a negative predictive value of 95%. In summary, the available evidence is currently insufficient to determine the role of this variant in disease. Therefore, it has been classified as a Variant of Uncertain Significance.

All of Us Research Program, National Institutes of Health
Classification: Uncertain significance for Marfan syndrome. Last evaluated: 2024-03-24. Review status: criteria provided, single submitter. Criteria: ACMG Guidelines, 2015. Collection method: clinical testing. Allele origin: germline. Inheritance: Autosomal dominant inheritance. Observed: 2 variant alleles, 2 heterozygotes.
Comment: This missense variant replaces leucine with valine at codon 279 of the FBN1 protein. Computational prediction suggests that this variant may not impact protein structure and function (internally defined REVEL score threshold <= 0.5, PMID: 27666373). To our knowledge, functional studies have not been reported for this variant. This variant has not been reported in individuals affected with FBN1-related disorders in the literature. This variant has not been identified in the general population by the Genome Aggregation Database (gnomAD). The available evidence is insufficient to determine the role of this variant in disease conclusively. Therefore, this variant is classified as a Variant of Uncertain Significance.

This study involves interpretation of variants in research participants for the purpose of population health screening. Participant phenotype was not available at the time of variant classification. Additional details can be found in publication PMID: 35346344, PMCID: PMC8962531

Color Diagnostics, LLC DBA Color Health
Classification: Uncertain significance for Familial thoracic aortic aneurysm and aortic dissection. Last evaluated: 2024-02-14. Review status: criteria provided, single submitter. Criteria: ACMG Guidelines, 2015. Collection method: clinical testing. Allele origin: germline.
Comment: This missense variant replaces leucine with valine at codon 279 of the FBN1 protein. Computational prediction suggests that this variant may not impact protein structure and function. To our knowledge, functional studies have not been reported for this variant. This variant has not been reported in individuals affected with FBN1-related disorders in the literature. This variant has not been identified in the general population by the Genome Aggregation Database (gnomAD). The available evidence is insufficient to determine the role of this variant in disease conclusively. Therefore, this variant is classified as a Variant of Uncertain Significance.